The following is an entry in ClinVar:

NM_001184.4(ATR):c.597G>T (p.Met199Ile)

Gene: ATR (ATR checkpoint kinase; minus strand). Cytogenetic location: 3q23.
Variant type: single nucleotide variant.
Coding change: c.597G>T on transcript NM_001184.4 (MANE Select); coding-DNA position 597, G replaced by T.
Protein change: p.Met199Ile; replaces methionine 199 with isoleucine.
Molecular consequence: missense variant.
Genome position (GRCh38, 1-based): chr3:142,562,805, C>A on the plus strand (G>T on the coding strand, the complement: ATR is on the minus strand). VCF-style: chr3-142562805-C-A. GRCh37 (hg19) VCF-style: chr3-142281647-C-A.
Other names: c.597G>T, p.Met199Ile (NM_001354579.2); short protein forms M199I.
Identifiers: ClinVar variation 1750835 (VCV001750835.2), dbSNP rs1315510279, ClinGen allele CA354826316.

ClinVar aggregate classification (germline): Uncertain significance (1 of 4 stars; one submission).

Conditions:
Inborn genetic diseases. Identifiers: MedGen C0950123, MeSH D030342.

Submission:

Ambry Genetics
Classification: Uncertain significance for Inborn genetic diseases. Last evaluated: 2021-12-10. Review status: criteria provided, single submitter. Criteria: Ambry Variant Classification Scheme 2023. Collection method: clinical testing. Allele origin: germline.
Comment: The p.M199I variant (also known as c.597G>T), located in coding exon 4 of the ATR gene, results from a G to T substitution at nucleotide position 597. The methionine at codon 199 is replaced by isoleucine, an amino acid with highly similar properties. This amino acid position is conserved. In addition, this alteration is predicted to be tolerated by in silico analysis. Since supporting evidence is limited at this time, the clinical significance of this alteration remains unclear.